The following is an entry in ClinVar:

ClinVar aggregate classification (germline): Pathogenic (1 of 4 stars; one submission).

Conditions:
Glycogen storage disease, type II (IOPD). Also called: POMPE DISEASE, INFANTILE-ONSET; GLYCOGEN STORAGE DISEASE II, INFANTILE-ONSET; ACID ALPHA-GLUCOSIDASE DEFICIENCY, INFANTILE-ONSET; GAA DEFICIENCY, INFANTILE-ONSET; ACID MALTASE DEFICIENCY, INFANTILE-ONSET; Glucosidase acid-1,4-alpha deficiency. Identifiers: Orphanet 365, MedGen C0017921, MONDO:0009290, OMIM 232300.

Submission:

Labcorp Genetics (formerly Invitae), Labcorp
Classification: Pathogenic for Glycogen storage disease, type II. Last evaluated: 2018-11-28. Review status: criteria provided, single submitter. Criteria: Invitae Variant Classification Sherloc (09022015). Collection method: clinical testing. Allele origin: germline.
Comment: This variant is a gross deletion of the genomic region encompassing exon 18 of the GAA gene. This leads to an in-frame deletion, preserving the integrity of the reading frame. Loss-of-function variants, including gross deletions, in GAA are known to be pathogenic. Deletion of exon 18 has been reported in the literature in multiple individuals affected with glycogen storage disease type II, also known as Pompe disease (PMID: 18607768, 8558570, 17723315, 15121988, 19588081, 25752415, 24844452). This deletion is also known as c.2481+102_2646+31del (p.Gly828_Asn882del) in the literature. For these reasons, this variant has been classified as Pathogenic.

Literature cited by the submitters: PubMed 18607768; PubMed 8558570; PubMed 17723315; PubMed 15121988; PubMed 19588081; PubMed 25752415; PubMed 24844452.

NC_000017.10:g.(?_78091652)_78092189del

Gene: GAA (alpha glucosidase; plus strand).
Variant type: Deletion.
Identifiers: ClinVar variation 1072075 (VCV001072075.2).